The following is an entry in ClinVar:

ClinVar aggregate classification (germline): Pathogenic (1 of 4 stars; one submission).

Conditions:
X-linked lymphoproliferative disease due to XIAP deficiency. Also called: XIAP DEFICIENCY; XIAP-Related Lymphoproliferative Disease, X-Linked. Identifiers: Orphanet 2442, Orphanet 538934, MedGen C1845076, MONDO:0010385, OMIM 300635.

Submissions (2):

Labcorp Genetics (formerly Invitae), Labcorp
Classification: Pathogenic for X-linked lymphoproliferative disease due to XIAP deficiency. Last evaluated: 2020-04-10. Review status: criteria provided, single submitter. Criteria: Invitae Variant Classification Sherloc (09022015). Collection method: clinical testing. Allele origin: germline.
Comment: This sequence change affects an acceptor splice site in intron 3 of the XIAP gene. It is expected to disrupt RNA splicing and likely results in an absent or disrupted protein product. For these reasons, this variant has been classified as Pathogenic. Donor and acceptor splice site variants typically lead to a loss of protein function (PMID: 16199547), and loss-of-function variants in XIAP are known to be pathogenic (PMID: 17080092, 21119115, 25666262). Algorithms developed to predict the effect of sequence changes on RNA splicing suggest that this variant may disrupt the consensus splice site, but this prediction has not been confirmed by published transcriptional studies. This variant has been observed in individual(s) with XIAP Deficiency (Invitae). In at least one individual the variant was observed to be de novo. This variant is not present in population databases (ExAC no frequency).

Dr. Peter K. Rogan Lab, Western University
No classification provided (evidence only). Condition: Nonpapillary renal cell carcinoma. Review status: no classification provided. Collection method: in vitro. Allele origin: not applicable. Functional consequence: skipped exon. Not counted in ClinVar's aggregate classification.

Literature cited by the submitters: PubMed 16199547 (cited by Labcorp Genetics (formerly Invitae), Labcorp); PubMed 17080092 (cited by Labcorp Genetics (formerly Invitae), Labcorp); PubMed 21119115 (cited by Labcorp Genetics (formerly Invitae), Labcorp); PubMed 25666262 (cited by Labcorp Genetics (formerly Invitae), Labcorp).

NM_001167.4(XIAP):c.978-2A>G

Gene: XIAP (X-linked inhibitor of apoptosis; plus strand). Cytogenetic location: Xq25.
Variant type: single nucleotide variant.
Coding change: c.978-2A>G on transcript NM_001167.4 (MANE Select); the canonical splice acceptor site of the intron before coding-DNA position 978, A replaced by G.
Molecular consequence: splice acceptor variant.
Genome position (GRCh38, 1-based): chrX:123,891,236, A>G. VCF-style: chrX-123891236-A-G. GRCh37 (hg19) VCF-style: chrX-123025086-A-G.
Other names: c.978-2A>G (NM_001378592.1, NM_001378591.1, NM_001204401.2 and 1 more transcripts).
Identifiers: ClinVar variation 1072889 (VCV001072889.11), dbSNP rs2148096152, ClinGen allele CA414125398.